The following is an entry in ClinVar:

ClinVar aggregate classification (germline): Conflicting classifications of pathogenicity. Review status: criteria provided, conflicting classifications (1 of 4 stars). 4 submissions from 4 submitters: Uncertain significance (3); Likely benign (1). Last evaluated 2026-01-25.

Conditions:
Hennekam lymphangiectasia-lymphedema syndrome 2 (HKLLS2). Identifiers: Orphanet 2136, MedGen C4014939, MONDO:0014454, OMIM 616006.

Allele frequency attached by ClinVar (database versions not stated): ExAC 0.00012; gnomAD exomes 0.00013 and 0.00027; 1000 Genomes Project 30x 0.00016; 1000 Genomes Project 0.00020; ESP Exome Variant Server 0.00031; gnomAD 0.00033 and 0.00037; TOPMed 0.00046.
gnomAD v4.1: 441 of 1,602,348 alleles (0.028%); highest among the groups gnomAD compares: African/African-American, 0.12%; 1 homozygote.

Submissions (4):

Labcorp Genetics (formerly Invitae), Labcorp
Classification: Likely benign. Last evaluated: 2026-01-25. Review status: criteria provided, single submitter. Criteria: Invitae Variant Classification Sherloc (09022015). Collection method: clinical testing. Allele origin: germline.

Blueprint Genetics
Classification: Uncertain significance. Last evaluated: 2023-10-30. Review status: criteria provided, single submitter. Criteria: ACMG Guidelines, 2015. Collection method: clinical testing. Allele origin: germline.

Clinical Genomics Laboratory, Washington University in St. Louis
Classification: Uncertain significance for Hennekam lymphangiectasia-lymphedema syndrome 2. Last evaluated: 2023-10-18. Review status: criteria provided, single submitter. Criteria: ACMG Guidelines, 2015. Collection method: clinical testing. Allele origin: germline.
Comment: The FAT4 c.5597C>T (p.Thr1866Met) variant was identified at a near heterozygous allelic fraction of 45%, a frequency which may be consistent with it being of germline origin. This variant has been reported as a somatic variant in a single case of colorectal cancer (Yu Jun et al., PMID: 24951259). This variant has been reported in the ClinVar database as a variant of uncertain significance by one submitter and likely benign variant by another submitter (ClinVar ID: 265140). Computational predictors are uncertain as to the impact of this variant on FAT4 function. Due to limited information, and based on ACMG/AMP guidelines for variant interpretation (Richards S et al., PMID: 25741868), the clinical significance of this variant is uncertain at this time.

GeneDx
Classification: Uncertain significance. Last evaluated: 2020-12-07. Review status: criteria provided, single submitter. Criteria: GeneDx Variant Classification Process June 2021. Collection method: clinical testing. Allele origin: germline. Affected: yes.
Comment: In silico analysis supports that this missense variant has a deleterious effect on protein structure/function; This variant is associated with the following publications: (PMID: 26633542)

NM_001291303.3(FAT4):c.5597C>T (p.Thr1866Met)

Gene: FAT4 (FAT atypical cadherin 4; plus strand). Cytogenetic location: 4q28.1.
Variant type: single nucleotide variant.
Coding change: c.5597C>T on transcript NM_001291303.3 (MANE Select); coding-DNA position 5597, C replaced by T.
Protein change: p.Thr1866Met; replaces threonine 1866 with methionine.
Molecular consequence: missense variant.
Genome position (GRCh38, 1-based): chr4:125,408,471, C>T. VCF-style: chr4-125408471-C-T. GRCh37 (hg19) VCF-style: chr4-126329626-C-T.
Other names: c.5597C>T, p.Thr1866Met (NM_001291285.3, NM_024582.6); short protein forms T1866M.
Identifiers: ClinVar variation 265140 (VCV000265140.12), dbSNP rs141773516, ClinGen allele CA3072765.